The following is an entry in ClinVar:

ClinVar aggregate classification (germline): Uncertain significance (1 of 4 stars; one submission).

Allele frequency attached by ClinVar (database versions not stated): TOPMed 0.00003; ExAC 0.00006; gnomAD 0.00007; 1000 Genomes Project 30x 0.00016; 1000 Genomes Project 0.00020.
gnomAD v4.1: 69 of 1,613,902 alleles (0.0043%); highest among the groups gnomAD compares: Non-Finnish European, 0.0053%; no homozygotes.

Submission:

Labcorp Genetics (formerly Invitae), Labcorp
Classification: Uncertain significance. Last evaluated: 2022-03-18. Review status: criteria provided, single submitter. Criteria: Invitae Variant Classification Sherloc (09022015). Collection method: clinical testing. Allele origin: germline.
Comment: This variant is present in population databases (rs151185557, gnomAD 0.01%). This sequence change replaces asparagine, which is neutral and polar, with serine, which is neutral and polar, at codon 728 of the CCDC141 protein (p.Asn728Ser). This missense change has been observed in individual(s) with hypogonoadotrophic hypogonadism (PMID: 33270637). Algorithms developed to predict the effect of missense changes on protein structure and function (SIFT, PolyPhen-2, Align-GVGD) all suggest that this variant is likely to be tolerated. In summary, the available evidence is currently insufficient to determine the role of this variant in disease. Therefore, it has been classified as a Variant of Uncertain Significance.

Literature cited by the submitters: PubMed 33270637.

NM_173648.4(CCDC141):c.2183A>G (p.Asn728Ser)

Genes: CCDC141 (coiled-coil domain containing 141; minus strand), LOC126806434 (MED14-independent group 3 enhancer GRCh37_chr2:179735609-179736808; plus strand). Cytogenetic location: 2q31.2.
Variant type: single nucleotide variant.
Coding change: c.2183A>G on transcript NM_173648.4 (MANE Select); coding-DNA position 2183, A replaced by G.
Protein change: p.Asn728Ser; replaces asparagine 728 with serine.
Molecular consequence: missense variant.
Genome position (GRCh38, 1-based): chr2:178,871,449, T>C on the plus strand (A>G on the coding strand, the complement: CCDC141 is on the minus strand). VCF-style: chr2-178871449-T-C. GRCh37 (hg19) VCF-style: chr2-179736176-T-C.
Other names: short protein forms N728S.
Identifiers: ClinVar variation 2418165 (VCV002418165.7), dbSNP rs151185557, ClinGen allele CA2007100.